The following is an entry in ClinVar:

ClinVar aggregate classification (germline): Pathogenic/Likely pathogenic. Review status: criteria provided, multiple submitters, no conflicts (2 of 4 stars). 3 submissions from 3 submitters: Pathogenic (1); Likely pathogenic (2). Last evaluated 2025-05-05.

Conditions:
Usher syndrome type 1D (USH1D). Also called: USHER SYNDROME, TYPE ID. Identifiers: Orphanet 231169, Orphanet 886, MedGen C1832845, MONDO:0010984, OMIM 601067.
Autosomal recessive nonsyndromic hearing loss 23. Identifiers: Orphanet 90636, MedGen C1836027, MONDO:0012293, OMIM 609533.
Usher syndrome type 1F (USH1F). Also called: USHER SYNDROME, TYPE IF. Identifiers: Orphanet 231169, Orphanet 886, MedGen C1865885, MONDO:0011186, OMIM 602083.

Submissions (3):

Labcorp Genetics (formerly Invitae), Labcorp
Classification: Pathogenic. Last evaluated: 2025-05-05. Review status: criteria provided, single submitter. Criteria: Invitae Variant Classification Sherloc (09022015). Collection method: clinical testing. Allele origin: germline.
Comment: This sequence change creates a premature translational stop signal (p.Asn1470Serfs*20) in the PCDH15 gene. While this is not anticipated to result in nonsense mediated decay, it is expected to disrupt the last 486 amino acid(s) of the PCDH15 protein. This variant is present in population databases (rs749884609, gnomAD 0.0009%). This variant has not been reported in the literature in individuals affected with PCDH15-related conditions. ClinVar contains an entry for this variant (Variation ID: 1068808). This variant disrupts a region of the PCDH15 protein in which other variant(s) (p.Gln1576*) have been determined to be pathogenic (PMID: 28281779). This suggests that this is a clinically significant region of the protein, and that variants that disrupt it are likely to be disease-causing. For these reasons, this variant has been classified as Pathogenic.

Fulgent Genetics
Classification: Likely pathogenic for Usher syndrome type 1D; Usher syndrome type 1F; Autosomal recessive nonsyndromic hearing loss 23. Last evaluated: 2024-03-06. Review status: criteria provided, single submitter. Criteria: ACMG Guidelines, 2015. Collection method: clinical testing. Allele origin: germline.

AiLife Diagnostics
Classification: Likely pathogenic. Last evaluated: 2021-06-02. Review status: criteria provided, single submitter. Criteria: ACMG Guidelines, 2015. Collection method: clinical testing. Allele origin: germline. Affected: yes. Observed: 1 variant allele.

Literature cited by the submitters: PubMed 28281779 (cited by Labcorp Genetics (formerly Invitae), Labcorp).

NM_033056.4(PCDH15):c.4409_4413del (p.Asn1470fs)

Gene: PCDH15 (protocadherin related 15; minus strand). Cytogenetic location: 10q21.1.
Variant type: Deletion.
Coding change: c.4409_4413del on transcript NM_033056.4 (MANE Plus Clinical); coding-DNA positions 4409 to 4413, 5 bases deleted (ACTCA; older notation c.4409_4413delACTCA).
Protein change: p.Asn1470fs; shifts the reading frame from asparagine 1470.
Molecular consequence: frameshift variant. On other transcripts: intron variant (8).
Genome position (GRCh38, 1-based): chr10:53,823,313-53,823,317, TGAGT deleted on the plus strand (ACTCA on the coding strand, the reverse complement: PCDH15 is on the minus strand); deleting any 5 consecutive bases within chr10:53,823,313-53,823,318 gives the same sequence; the c. name uses the placement nearest the transcript's 3' end. VCF-style (leftmost placement, unchanged base first): chr10-53823312-CTGAGT-C. GRCh37 (hg19) VCF-style: chr10-55583072-CTGAGT-C.
Other names: c.4430_4434del, p.Asn1477fs (NM_001142763.2); c.4415_4419del, p.Asn1472fs (NM_001142764.2); c.4202_4206del, p.Asn1401fs (NM_001142765.2); c.4400_4404del, p.Asn1467fs (NM_001142766.2); c.4289_4293del, p.Asn1430fs (NM_001142767.2); c.4349_4353del, p.Asn1450fs (NM_001142768.2); c.4340_4344del, p.Asn1447fs (NM_001142773.2); c.4343_4347del, p.Asn1448fs (NM_001354404.2); and 6 more; short protein forms N1401fs, N1430fs, N1447fs, N1448fs, N1450fs, N1467fs, N1470fs, N1472fs.
Identifiers: ClinVar variation 1068808 (VCV001068808.11), dbSNP rs749884609, ClinGen allele CA5505286.